The following is an entry in ClinVar:

NM_000320.3(QDPR):c.190G>C (p.Ala64Pro)

Gene: QDPR (quinoid dihydropteridine reductase; minus strand). Cytogenetic location: 4p15.32.
Variant type: single nucleotide variant.
Coding change: c.190G>C on transcript NM_000320.3 (MANE Select); coding-DNA position 190, G replaced by C.
Protein change: p.Ala64Pro; replaces alanine 64 with proline.
Molecular consequence: missense variant. On other transcripts: non-coding transcript variant (1), intron variant (1).
Genome position (GRCh38, 1-based): chr4:17,509,279, C>G on the plus strand (G>C on the coding strand, the complement: QDPR is on the minus strand). VCF-style: chr4-17509279-C-G. GRCh37 (hg19) VCF-style: chr4-17510902-C-G.
Other names: c.105+2671G>C (NM_001306140.2); short protein forms A64P.
Identifiers: ClinVar variation 4884840 (VCV004884840.1).
Genomic context (GRCh38, chr4:17,509,279, plus strand): 5'-CACCTCTCCCCAGGGTTCCCCTCACAATGTTTGGGGGCCTTTTTGAAACTACCTGGTCAG[C>G]CTGCTCAGTGAACGAGTCTGTCATTTTAACAATGATGCTAGCGCTGGCCTCTTCATTCTC-3'
Protein context (NP_000311.2, residues 54-74): VKMTDSFTEQ[Ala64Pro]DQVTAEVGKL

ClinVar aggregate classification (germline): Uncertain significance (0 of 4 stars; one submission).

Conditions:
Dihydropteridine reductase deficiency (HPABH4C). Also called: DHPR DEFICIENCY; HYPERPHENYLALANINEMIA, TETRAHYDROBIOPTERIN-DEFICIENT, DUE TO DHPR DEFICIENCY; QDPR DEFICIENCY; QUINOID DIHYDROPTERIDINE REDUCTASE DEFICIENCY; Phenylketonuria II; Hyperphenylalaninemia due to dihydropteridine reductase deficiency. Identifiers: Orphanet 226, Orphanet 238583, MedGen C0268465, MONDO:0009862, OMIM 261630.

Submission:

Hong-Tao Li Lab, Institute of Brain Science and Brain-inspired Research, Shandong First Medical University & Shandong Academy of Medical Sciences China
Classification: Uncertain significance for Dihydropteridine reductase deficiency. Review status: no assertion criteria provided. Collection method: research. Allele origin: germline. Inheritance: Autosomal recessive inheritance. Affected: yes. Observed: 1 variant allele, 1 homozygote.
Comment: Observed in affected individuals from a Pakistani neurodevelopmental-disorder research cohort of 263 individuals. Classification assigned using the ACMG/AMP framework.